The following is an entry in ClinVar:

NM_000287.4(PEX6):c.1866G>T (p.Gln622His)

Gene: PEX6 (peroxisomal biogenesis factor 6; minus strand). Cytogenetic location: 6p21.1.
Variant type: single nucleotide variant.
Coding change: c.1866G>T on transcript NM_000287.4 (MANE Select); coding-DNA position 1866, G replaced by T.
Protein change: p.Gln622His; replaces glutamine 622 with histidine.
Molecular consequence: missense variant. On other transcripts: non-coding transcript variant (1).
Genome position (GRCh38, 1-based): chr6:42,967,386, C>A on the plus strand (G>T on the coding strand, the complement: PEX6 is on the minus strand). VCF-style: chr6-42967386-C-A. GRCh37 (hg19) VCF-style: chr6-42935124-C-A.
Other names: c.1602G>T, p.Gln534His (NM_001316313.2); short protein forms Q622H, Q534H.
Identifiers: ClinVar variation 2126461 (VCV002126461.2), dbSNP rs1769869229, ClinGen allele CA364153391.
Genomic context (GRCh38, chr6:42,967,386, plus strand): 5'-GGGACCTCCTAGGGAGGGCCAGTACTCTCCCTTGATACTCACTGCACACCGCCGTGCTAG[C>A]TGTGCCAAGTTCACCTCCTGGCCCAGGGGAAGGTGGGCAGTGAGGGCCCGCAGGATGCTG-3'
Protein context (NP_000278.3, residues 612-632): LPLGQEVNLA[Gln622His]LARRCAGFVV

ClinVar aggregate classification (germline): Uncertain significance (1 of 4 stars; one submission).

Conditions:
Peroxisome biogenesis disorder. Identifiers: Orphanet 79189, MedGen C1832200, MONDO:0019234. Disease mechanism: loss of function.

Allele frequency attached by ClinVar (database versions not stated): TOPMed 0.00001.

Submission:

Labcorp Genetics (formerly Invitae), Labcorp
Classification: Uncertain significance for Peroxisome biogenesis disorder. Last evaluated: 2022-04-15. Review status: criteria provided, single submitter. Criteria: Invitae Variant Classification Sherloc (09022015). Collection method: clinical testing. Allele origin: germline.
Comment: This sequence change replaces glutamine, which is neutral and polar, with histidine, which is basic and polar, at codon 622 of the PEX6 protein (p.Gln622His). This variant is not present in population databases (gnomAD no frequency). This variant has not been reported in the literature in individuals affected with PEX6-related conditions. Algorithms developed to predict the effect of missense changes on protein structure and function (SIFT, PolyPhen-2, Align-GVGD) all suggest that this variant is likely to be tolerated. In summary, the available evidence is currently insufficient to determine the role of this variant in disease. Therefore, it has been classified as a Variant of Uncertain Significance.